The following is an entry in ClinVar:

ClinVar aggregate classification (germline): Likely pathogenic. Review status: criteria provided, multiple submitters, no conflicts (2 of 4 stars). 2 submissions from 2 submitters: Likely pathogenic (2). Last evaluated 2026-06-30.

Conditions:
Congenital lactic acidosis, Saguenay-Lac-Saint-Jean type (MC4DN5). Also called: MITOCHONDRIAL COMPLEX IV DEFICIENCY, NUCLEAR TYPE 5; CYTOCHROME c OXIDASE DEFICIENCY, FRENCH CANADIAN TYPE; COX DEFICIENCY, FRENCH CANADIAN TYPE. Identifiers: Orphanet 70472, MedGen C1857355, MONDO:0009069, OMIM 220111.

Allele frequency attached by ClinVar (database versions not stated): gnomAD exomes below 0.00001.
gnomAD v4.1: 1 of 1,612,764 alleles (0.000062%); highest among the groups gnomAD compares: Non-Finnish European, 0.000085%; no homozygotes.

Submissions (2):

Myriad Genetics, Inc.
Classification: Likely pathogenic for Congenital lactic acidosis, Saguenay-Lac-Saint-Jean type. Last evaluated: 2026-06-30. Review status: criteria provided, single submitter. Criteria: Myriad Autosomal Dominant, Autosomal Recessive and X-Linked Classification Criteria (2023). Collection method: clinical testing. Allele origin: unknown.
Comment: NM_133259.3(LRPPRC):c.3710-1G>A is a variant in a canonical splice site classified as likely pathogenic in the context of Leigh syndrome, French-Canadian type. c.3710-1G>A has not been observed in cases with relevant disease. Relevant functional assessments of this variant are not available in the literature. c.3710-1G>A has not been observed in referenced population frequency databases. In summary, NM_133259.3(LRPPRC):c.3710-1G>A is a variant in a canonical splice site in a gene where loss of function is a known mechanism of disease and is predicted to disrupt protein function. Please note: this variant was assessed in the context of healthy population screening.

Labcorp Genetics (formerly Invitae), Labcorp
Classification: Likely pathogenic. Last evaluated: 2023-10-15. Review status: criteria provided, single submitter. Criteria: Invitae Variant Classification Sherloc (09022015). Collection method: clinical testing. Allele origin: germline.
Comment: This sequence change affects an acceptor splice site in intron 33 of the LRPPRC gene. It is expected to disrupt RNA splicing. Variants that disrupt the donor or acceptor splice site typically lead to a loss of protein function (PMID: 16199547), and loss-of-function variants in LRPPRC are known to be pathogenic (PMID: 26510951). This variant is not present in population databases (gnomAD no frequency). This variant has not been reported in the literature in individuals affected with LRPPRC-related conditions. Algorithms developed to predict the effect of sequence changes on RNA splicing suggest that this variant may disrupt the consensus splice site. In summary, the currently available evidence indicates that the variant is pathogenic, but additional data are needed to prove that conclusively. Therefore, this variant has been classified as Likely Pathogenic.

Literature cited by the submitters: PubMed 16199547 (cited by Labcorp Genetics (formerly Invitae), Labcorp); PubMed 26510951 (cited by Labcorp Genetics (formerly Invitae), Labcorp).

NM_133259.4(LRPPRC):c.3710-1G>A

Gene: LRPPRC (leucine rich pentatricopeptide repeat containing; minus strand). Cytogenetic location: 2p21.
Variant type: single nucleotide variant.
Coding change: c.3710-1G>A on transcript NM_133259.4 (MANE Select); the canonical splice acceptor site of the intron before coding-DNA position 3710, G replaced by A.
Molecular consequence: splice acceptor variant.
Genome position (GRCh38, 1-based): chr2:43,899,335, C>T on the plus strand (G>A on the coding strand, the complement: LRPPRC is on the minus strand). VCF-style: chr2-43899335-C-T. GRCh37 (hg19) VCF-style: chr2-44126474-C-T.
Identifiers: ClinVar variation 2871838 (VCV002871838.4), dbSNP rs2466377208, ClinGen allele CA346676775.